The following continues an entry in ClinVar:

NM_000059.4(BRCA2):c.9382C>T (p.Arg3128Ter)

Gene: BRCA2. ClinVar aggregate classification (germline): Pathogenic. Pathogenic (1). ClinVar aggregate classification (somatic clinical impact): Tier II - Potential.

Submissions 21 to 34 of 61:

Quest Diagnostics Nichols Institute San Juan Capistrano
Classification: Pathogenic. Last evaluated: 2024-01-24. Review status: criteria provided, single submitter. Criteria: Quest Diagnostics criteria. Collection method: clinical testing. Allele origin: unknown. Not counted in ClinVar's aggregate classification.
Comment: The BRCA2 c.9382C>T (p.Arg3128*) variant causes the premature termination of BRCA2 protein synthesis. This variant has been reported in the published literature in individuals with breast and/or ovarian cancer (PMID: 10978364 (2020), 25428789 (2015), 29907814 (2018), 31263054 (2019), 32318955 (2020), 32438681 (2020), 34196900 (2021), 35980532 (2022), 35464868 (2022)) and a Lynch Syndrome associated cancer and/or polyps (PMID: 25980754 (2015)). The frequency of this variant in the general population, 0.0002 (5/24964 chromosomes (Genome Aggregation Database)), is consistent with pathogenicity. Based on the available information, this variant is classified as pathogenic.

Institute of Human Genetics, University of Leipzig Medical Center
Classification: Pathogenic for Breast-ovarian cancer, familial, susceptibility to, 2. Last evaluated: 2023-10-16. Review status: criteria provided, single submitter. Criteria: ACMG Guidelines, 2015. Collection method: clinical testing. Allele origin: unknown. Inheritance: Autosomal dominant inheritance. Affected: yes. Not counted in ClinVar's aggregate classification.
Comment: Criteria applied: PVS1,PM5_STR

Institute for Genomic Medicine (IGM) Clinical Laboratory, Nationwide Children's Hospital
Classification: Tier II - Potential for Colon adenocarcinoma. Assertion type: diagnostic. Clinical significance: supports diagnosis. Last evaluated: 2022-12-16. Review status: criteria provided, single submitter. Criteria: AMP/ASCO/CAP Guidelines, 2017. Collection method: clinical testing. Allele origin: somatic. Affected: yes.
Comment: Variant has Tier II (potential) clinical significance as a diagnostic inclusion criterion in colon adenocarcinoma, based on the following evidence: 1) Documented in one or more cancer databases (e.g., St. Jude Pecan, COSMIC, CIViC, OncoKB). 2) Diagnostic significance based on multiple small studies (Evidence Level C; PMIDs: 33653301, 35326540).

Revvity Omics, Revvity
Classification: Pathogenic. Last evaluated: 2022-10-05. Review status: criteria provided, single submitter. Criteria: ACMG Guidelines, 2015. Collection method: clinical testing. Allele origin: germline. Not counted in ClinVar's aggregate classification.

Blueprint Genetics
Classification: Pathogenic for BRCA2-related disorders. Last evaluated: 2022-08-08. Review status: criteria provided, single submitter. Criteria: ACMG Guidelines, 2015. Collection method: clinical testing. Allele origin: germline. Affected: yes. Observed: 2 variant alleles. Not counted in ClinVar's aggregate classification.

Dasa
Classification: Pathogenic for BRCA2-related disorder. Last evaluated: 2022-03-05. Review status: criteria provided, single submitter. Criteria: ACMG Guidelines, 2015. Collection method: clinical testing. Allele origin: germline. Affected: yes. Observed: 1 variant allele. Not counted in ClinVar's aggregate classification.
Comment: The c.9382C>T;p.(Arg3128*) variant creates a premature translational stop signal in the BRCA2 gene. It is expected to result in an absent or disrupted protein product - PVS1. This sequence change has been observed in affected individual(s) and ClinVar contains an entry for this variant (ClinVar ID: 52826; PMID: 10978364; 16683254; 24916970; 15168169; 16905680) - PS4. The variant is present at low allele frequencies population databases (rs80359212 – gnomAD 0.0002122%; ABraOM no frequency) - PM2_supporting. In summary, the currently available evidence indicates that the variant is pathogenic.

Genetics Program, Instituto Nacional de Cancer
Classification: Pathogenic for Hereditary breast ovarian cancer syndrome. Last evaluated: 2021-11-01. Review status: criteria provided, single submitter. Criteria: ACMG Guidelines, 2015. Collection method: research. Allele origin: germline. Affected: yes. Not counted in ClinVar's aggregate classification.

Laboratory for Molecular Medicine, Mass General Brigham Personalized Medicine
Classification: Pathogenic for Hereditary breast ovarian cancer syndrome. Last evaluated: 2021-07-15. Review status: criteria provided, single submitter. Criteria: ACMG Guidelines, 2015. Collection method: clinical testing. Allele origin: germline. Not counted in ClinVar's aggregate classification.
Comment: The p.Arg3128X variant in BRCA2 has been previously reported in >15 individuals with BRCA2-associated cancers (Plaschke 2000 PMID:10978364, Edwards 2010 PMID: 20736950, Leongamornlert 2014 PMID:24556621, Song 2014 PMID: 24728189, Fernandes 2016 PMID:27741520, Gabaldo Barrios 2017 PMID: 28477318, Alvarez 2017 PMID:29088781, Breast Cancer Information Core (BIC) database:, ClinVar Variation ID:52826). It has also been identified in 0.014% (6/41436) African/African American chromosomes by gnomAD (v3.1). This frequency is low enough to be consistent with the frequency of hereditary breast and ovarian cancer (HBOC) in the general population. This nonsense variant leads to a premature termination codon at position 3128, which is predicted to lead to a truncated or absent protein. Heterozygous loss of function of the BRCA2 gene is an established disease mechanism in individuals with HBOC. This variant was classified as pathogenic on Apr 22, 2016 by the ClinGen-approved ENIGMA expert panel (ClinVar SCV000282472.1). In summary, this variant meets criteria to be classified as pathogenic for autosomal dominant HBOC. ACMG/AMP Criteria applied: PS4, PM2_supporting, PVS1.

HudsonAlpha Institute for Biotechnology
Classification: Pathogenic for Breast-ovarian cancer, familial, susceptibility to, 2. Last evaluated: 2021-03-29. Review status: criteria provided, single submitter. Criteria: ACMG Guidelines, 2015. Collection method: research. Allele origin: unknown. Observed: 1 variant allele. Study: CSER-SouthSeq. Not counted in ClinVar's aggregate classification.
Comment: ACMG codes:PVS1; PS4; PM2; PP5

Genetic Services Laboratory, University of Chicago
Classification: Pathogenic. Last evaluated: 2020-04-30. Review status: criteria provided, single submitter. Criteria: ACMG Guidelines, 2015. Collection method: clinical testing. Allele origin: germline. Affected: yes. Not counted in ClinVar's aggregate classification.
Comment: DNA sequence analysis of the BRCA2 gene demonstrated a sequence change, c.9382C>T, which results in the creation of a premature stop codon at amino acid position 3128, p.Arg3128*. This pathogenic sequence change is predicted to result in an abnormal transcript, which may be degraded, or may lead to the production of a truncated BRCA2 protein with potentially abnormal function. This pathogenic sequence change has previously been described in patients with a personal and/or family history of breast cancer, as well as patients with prostate cancer and ovarian cancer (PMIDs 10978364, 29088781, 29371908, 20736950, 24728189). The p.Arg3128* pathogenic sequence change is present in the heterozygous state in six individuals in the gnomAD population database (dbSNP rs80359212).

GeneDx
Classification: Pathogenic. Last evaluated: 2019-09-04. Review status: criteria provided, single submitter. Criteria: GeneDx Variant Classification Process June 2021. Collection method: clinical testing. Allele origin: germline. Affected: yes. Not counted in ClinVar's aggregate classification.
Comment: Nonsense variant predicted to result in protein truncation or nonsense mediated decay in a gene for which loss-of-function is a known mechanism of disease; Observed in individuals with a personal or family history consistent with pathogenic variants in this gene (Plaschke 2000, Simard 2007, Vogel 2007, Sugano 2008, Edwards 2010, Leongamornlert 2014, Peixoto 2015, Rosenthal 2015, Kwong 2016); Not observed at a significant frequency in large population cohorts (gnomAD); Truncating variants in this gene are considered pathogenic by a well-established clinical consortium and/or database; Also known as 9610C>T; This variant is associated with the following publications: (PMID: 19016756, 25980754, 11400546, 29884136, 28651617, 28477318, 28294317, 25525159, 10978364, 24556621, 20736950, 17925560, 16905680, 20104584, 24916970, 25850536, 24156927, 15168169, 24728189, 27157322, 27469594, 29371908, 29339979, 29433453, 28279176, 27831900, 29088781, 29907814, 28724667, 30720863, 29446198, 30720243, 30702160, 32467295, 33646313, 32318955, 31447099, 32853339, 31825140, 32338768, 30787465)

CHEO Genetics Diagnostic Laboratory, Children's Hospital of Eastern Ontario
Classification: Pathogenic for Breast and/or ovarian cancer. Last evaluated: 2019-08-16. Review status: criteria provided, single submitter. Criteria: ACMG Guidelines, 2015. Collection method: clinical testing. Allele origin: germline. Study: Canadian Open Genetics Repository. Not counted in ClinVar's aggregate classification.

Fulgent Genetics
Classification: Pathogenic for Familial cancer of breast; Medulloblastoma; Familial prostate cancer; Wilms tumor 1; Fanconi anemia complementation group D1; Breast-ovarian cancer, familial, susceptibility to, 2; Glioma susceptibility 3; Pancreatic cancer, susceptibility to, 2. Last evaluated: 2018-10-31. Review status: criteria provided, single submitter. Criteria: ACMG Guidelines, 2015. Collection method: clinical testing. Allele origin: unknown. Not counted in ClinVar's aggregate classification.

Pittsburgh Clinical Genomics Laboratory, University of Pittsburgh Medical Center
Classification: Pathogenic for Hereditary Breast and Ovarian Cancer Syndrome. Last evaluated: 2018-10-04. Review status: criteria provided, single submitter. Criteria: ACMG Guidelines, 2015. Collection method: clinical testing. Allele origin: germline. Affected: no. Observed: 1 variant allele. Not counted in ClinVar's aggregate classification.
Comment: This sequence variant is a single nucleotide substitution (C>T) in exon 25/28 of the BRCA2 gene that changes the arginine at position 3128 to an early termination codon. This is expected to result in nonsense-mediated decay of the resulting transcript and no functional protein from the variant allele. This is a rare variant, and is found at a frequency of 0.00002 in the gnomAD population database (5/277070 alleles, 0 homozygotes). This is a well-characterized, known pathogenic variant which has been reported in breast and ovarian cancer cohorts and families worldwide (PMIDs 29446198, 28294317, 27741520, 28477318, 24916970, 10978364, 15168169). This variant has been identified and classified by the ENIGMA BRCA1 and BRCA2 expert consortium as a pathogenic variant on April 22, 2016. Considering all of the available data, we consider this to be a pathogenic variant.